The following is an entry in ClinVar:

ClinVar aggregate classification (germline): Pathogenic (1 of 4 stars; one submission).

Submission:

Athena Diagnostics
Classification: Pathogenic. Last evaluated: 2022-03-01. Review status: criteria provided, single submitter. Criteria: Athena Diagnostics Criteria. Collection method: clinical testing. Allele origin: unknown.
Comment: This variant is expected to result in the loss of a functional protein. Similar deletions of exons 46-50 are reported primarily in patients with Duchenne muscular dystrophy (DMD), and also in a few rare cases with Becker muscular dystrophy (BMD; PMID: 16936400, 17253928). Similar variants have not been reported in large, multi-ethnic general populations (Genome Aggregation Database (gnomAD), Cambridge, MA (URL)).

Literature cited by the submitters: PubMed 21354051; PubMed 18653336; PubMed 31705731; PubMed 16936400; PubMed 17253928; PubMed 19937601; PubMed 14977063; PubMed 16049303; PubMed 33960727; PubMed 9048922; PubMed 17259292; PubMed 33101180; PubMed 32194622; PubMed 33843695; PubMed 31139960; PubMed 25761239; PubMed 29973226; PubMed 33238405; PubMed 25972034; PubMed 28610567; PubMed 12754707; PubMed 22090376; PubMed 19449031; PubMed 18663755; PubMed 12324874; PubMed 17911159.

Single allele

Gene: DMD (dystrophin; minus strand). Cytogenetic location: Xp21.1.
Variant type: Deletion.
Identifiers: ClinVar variation 1807243 (VCV001807243.2).